The following is an entry in ClinVar:

ClinVar aggregate classification (germline): Uncertain significance (1 of 4 stars; one submission).

Submission:

Labcorp Genetics (formerly Invitae), Labcorp
Classification: Uncertain significance. Last evaluated: 2025-10-16. Review status: criteria provided, single submitter. Criteria: Invitae Variant Classification Sherloc (09022015). Collection method: clinical testing. Allele origin: germline.
Comment: This sequence change creates a premature translational stop signal (p.Lys190Argfs*15) in the HCCS gene. While this is not anticipated to result in nonsense mediated decay, it is expected to disrupt the last 79 amino acid(s) of the HCCS protein. This variant is not present in population databases (gnomAD no frequency). This variant has not been reported in the literature in individuals affected with HCCS-related conditions. In summary, the available evidence is currently insufficient to determine the role of this variant in disease. Therefore, it has been classified as a Variant of Uncertain Significance.

NM_005333.5(HCCS):c.569_570del (p.Lys190fs)

Gene: HCCS (holocytochrome c synthase; plus strand). Cytogenetic location: Xp22.2.
Variant type: Deletion.
Coding change: c.569_570del on transcript NM_005333.5 (MANE Select); coding-DNA positions 569 to 570, 2 bases deleted (AA; older notation c.569_570delAA).
Protein change: p.Lys190fs; shifts the reading frame from lysine 190.
Molecular consequence: frameshift variant.
Genome position (GRCh38, 1-based): chrX:11,120,954-11,120,955, AA deleted; deleting any 2 consecutive bases within chrX:11,120,952-11,120,955 gives the same sequence; the c. name uses the placement nearest the transcript's 3' end. VCF-style (leftmost placement, unchanged base first): chrX-11120951-CAA-C. GRCh37 (hg19) VCF-style: chrX-11139071-CAA-C.
Other names: c.569_570del, p.Lys190fs (NM_001122608.3, NM_001171991.3); short protein forms K190fs.
Identifiers: ClinVar variation 4729352 (VCV004729352.1).